The following is an entry in ClinVar:

NM_182914.3(SYNE2):c.20033G>C (p.Gly6678Ala)

Gene: SYNE2 (spectrin repeat containing nuclear envelope protein 2; plus strand). Cytogenetic location: 14q23.2.
Variant type: single nucleotide variant.
Coding change: c.20033G>C on transcript NM_182914.3 (MANE Select); coding-DNA position 20033, G replaced by C.
Protein change: p.Gly6678Ala; replaces glycine 6678 with alanine.
Molecular consequence: missense variant.
Genome position (GRCh38, 1-based): chr14:64,220,609, G>C. VCF-style: chr14-64220609-G-C. GRCh37 (hg19) VCF-style: chr14-64687327-G-C.
Other names: c.19964G>C, p.Gly6655Ala (NM_015180.6); c.557G>C, p.Gly186Ala (NM_182910.2); c.935G>C, p.Gly312Ala (NM_182913.4); c.20033G>C (NM_182914.2); short protein forms G186A, G312A, G6655A, G6678A.
Identifiers: ClinVar variation 1657566 (VCV001657566.15), dbSNP rs140676416, ClinGen allele CA7224665.

ClinVar aggregate classification (germline): Conflicting classifications of pathogenicity. Review status: criteria provided, conflicting classifications (1 of 4 stars). 5 submissions from 5 submitters: Uncertain significance (2); Likely benign (2). 1 of the submissions does not count toward it. Last evaluated 2025-08-14.

Conditions:
SYNE2-related disorder. Also called: SYNE2-related condition.
Emery-Dreifuss muscular dystrophy 5, autosomal dominant (EDMD5). Also called: EMERY-DREIFUSS MUSCULAR DYSTROPHY 5. Identifiers: Orphanet 261, MedGen C2751805, MONDO:0013072, OMIM 612999.

Allele frequency attached by ClinVar (database versions not stated): ExAC 0.00011; 1000 Genomes Project 0.00040; TOPMed 0.00043; ESP Exome Variant Server 0.00046; 1000 Genomes Project 30x 0.00047.
gnomAD v4.1: 123 of 1,614,048 alleles (0.0076%); highest among the groups gnomAD compares: African/African-American, 0.16%; no homozygotes.

Submissions (5):

Ambry Genetics
Classification: Uncertain significance. Last evaluated: 2025-08-14. Review status: criteria provided, single submitter. Criteria: Ambry Variant Classification Scheme 2023. Collection method: clinical testing. Allele origin: germline.

Labcorp Genetics (formerly Invitae), Labcorp
Classification: Likely benign for Emery-Dreifuss muscular dystrophy 5, autosomal dominant. Last evaluated: 2025-07-29. Review status: criteria provided, single submitter. Criteria: Invitae Variant Classification Sherloc (09022015). Collection method: clinical testing. Allele origin: germline.

Revvity Omics, Revvity
Classification: Uncertain significance for Emery-Dreifuss muscular dystrophy 5, autosomal dominant. Last evaluated: 2019-03-07. Review status: criteria provided, single submitter. Criteria: ACMG Guidelines, 2015. Collection method: clinical testing. Allele origin: germline.

Breakthrough Genomics
Classification: Likely benign. Review status: criteria provided, single submitter. Criteria: ACMG Guidelines, 2015. Collection method: not provided. Allele origin: germline. Inheritance: Autosomal dominant inheritance. Affected: yes.

PreventionGenetics, part of Exact Sciences
Classification: Likely benign for SYNE2-related condition. Last evaluated: 2022-07-20. Review status: no assertion criteria provided. Collection method: clinical testing. Allele origin: germline. Not counted in ClinVar's aggregate classification.
Comment: This variant is classified as likely benign based on ACMG/AMP sequence variant interpretation guidelines (Richards et al. 2015 PMID: 25741868, with internal and published modifications).